The following is an entry in ClinVar:

NM_001081.4(CUBN):c.6755C>T (p.Ala2252Val)

Gene: CUBN (cubilin; minus strand). Cytogenetic location: 10p13.
Variant type: single nucleotide variant.
Coding change: c.6755C>T on transcript NM_001081.4 (MANE Select); coding-DNA position 6755, C replaced by T.
Protein change: p.Ala2252Val; replaces alanine 2252 with valine.
Molecular consequence: missense variant.
Genome position (GRCh38, 1-based): chr10:16,920,029, G>A on the plus strand (C>T on the coding strand, the complement: CUBN is on the minus strand). VCF-style: chr10-16920029-G-A. GRCh37 (hg19) VCF-style: chr10-16962028-G-A.
Other names: short protein forms A2252V.
Identifiers: ClinVar variation 2159644 (VCV002159644.4), dbSNP rs529856485, ClinGen allele CA5423591.

ClinVar aggregate classification (germline): Uncertain significance. Review status: criteria provided, multiple submitters, no conflicts (2 of 4 stars). 2 submissions from 2 submitters: Uncertain significance (2). Last evaluated 2024-04-29.

Conditions:
Imerslund-Grasbeck syndrome type 1 (IGS1). Also called: Imerslund-Gräsbeck syndrome 1; Megaloblastic anemia 1, Finnish type; MEGALOBLASTIC ANEMIA, 1. Identifiers: MedGen C4016819, MONDO:0100156, OMIM 261100.
Proteinuria, chronic benign. Identifiers: MedGen C5394384, MONDO:0030042, OMIM 618884.
Imerslund-Grasbeck syndrome. Also called: ENTEROCYTE COBALAMIN MALABSORPTION; ENTEROCYTE INTRINSIC FACTOR RECEPTOR, DEFECT OF; PERNICIOUS ANEMIA, JUVENILE, DUE TO SELECTIVE INTESTINAL MALABSORPTION OF VITAMIN B12, WITH PROTEINURIA; Imerslund-Gräsbeck syndrome; Megaloblastic anemia due to inborn errors of metabolism. Identifiers: Orphanet 35858, MedGen C4551825, MONDO:0009853.

Allele frequency attached by ClinVar (database versions not stated): ExAC 0.00001; TOPMed 0.00002; gnomAD 0.00001.
gnomAD v4.1: 5 of 1,613,726 alleles (0.00031%); highest among the groups gnomAD compares: South Asian, 0.0022%; no homozygotes.

Submissions (2):

Labcorp Genetics (formerly Invitae), Labcorp
Classification: Uncertain significance for Imerslund-Grasbeck syndrome. Last evaluated: 2024-04-29. Review status: criteria provided, single submitter. Criteria: Invitae Variant Classification Sherloc (09022015). Collection method: clinical testing. Allele origin: germline.
Comment: This sequence change replaces alanine, which is neutral and non-polar, with valine, which is neutral and non-polar, at codon 2252 of the CUBN protein (p.Ala2252Val). This variant is present in population databases (rs529856485, gnomAD 0.006%). This variant has not been reported in the literature in individuals affected with CUBN-related conditions. ClinVar contains an entry for this variant (Variation ID: 2159644). Advanced modeling of protein sequence and biophysical properties (such as structural, functional, and spatial information, amino acid conservation, physicochemical variation, residue mobility, and thermodynamic stability) performed at Invitae indicates that this missense variant is not expected to disrupt CUBN protein function with a negative predictive value of 80%. In summary, the available evidence is currently insufficient to determine the role of this variant in disease. Therefore, it has been classified as a Variant of Uncertain Significance.

Fulgent Genetics
Classification: Uncertain significance for Imerslund-Grasbeck syndrome type 1; Proteinuria, chronic benign. Last evaluated: 2024-02-28. Review status: criteria provided, single submitter. Criteria: ACMG Guidelines, 2015. Collection method: clinical testing. Allele origin: germline.